The following is an entry in ClinVar:

ClinVar aggregate classification (germline): Uncertain significance (1 of 4 stars; one submission).

Submission:

Ambry Genetics
Classification: Uncertain significance. Last evaluated: 2022-11-17. Review status: criteria provided, single submitter. Criteria: Ambry Variant Classification Scheme 2023. Collection method: clinical testing. Allele origin: germline.
Comment: The p.S287C variant (also known as c.860C>G), located in coding exon 6 of the IDH1 gene, results from a C to G substitution at nucleotide position 860. The serine at codon 287 is replaced by cysteine, an amino acid with dissimilar properties. This amino acid position is conserved. In addition, this alteration is predicted to be deleterious by in silico analysis. Since supporting evidence is limited at this time, the clinical significance of this alteration remains unclear.

NM_005896.4(IDH1):c.860C>G (p.Ser287Cys)

Gene: IDH1 (isocitrate dehydrogenase (NADP(+)) 1; minus strand). Cytogenetic location: 2q34.
Variant type: single nucleotide variant.
Coding change: c.860C>G on transcript NM_005896.4 (MANE Select); coding-DNA position 860, C replaced by G.
Protein change: p.Ser287Cys; replaces serine 287 with cysteine.
Molecular consequence: missense variant.
Genome position (GRCh38, 1-based): chr2:208,239,994, G>C on the plus strand (C>G on the coding strand, the complement: IDH1 is on the minus strand). VCF-style: chr2-208239994-G-C. GRCh37 (hg19) VCF-style: chr2-209104718-G-C.
Other names: c.860C>G, p.Ser287Cys (NM_001282386.1, NM_001282387.1); short protein forms S287C.
Identifiers: ClinVar variation 2491862 (VCV002491862.2), dbSNP rs2469016407, ClinGen allele CA350095580.